The following is an entry in ClinVar:

ClinVar aggregate classification (germline): Pathogenic (1 of 4 stars; one submission).

Submission:

Labcorp Genetics (formerly Invitae), Labcorp
Classification: Pathogenic. Last evaluated: 2024-10-02. Review status: criteria provided, single submitter. Criteria: Invitae Variant Classification Sherloc (09022015). Collection method: clinical testing. Allele origin: germline.
Comment: This sequence change creates a premature translational stop signal (p.Ala93Metfs*16) in the CD46 gene. It is expected to result in an absent or disrupted protein product. Loss-of-function variants in CD46 are known to be pathogenic (PMID: 16621965, 23431077). This variant is not present in population databases (gnomAD no frequency). This variant has not been reported in the literature in individuals affected with CD46-related conditions. For these reasons, this variant has been classified as Pathogenic.

Literature cited by the submitters: PubMed 16621965; PubMed 23431077.

NM_172351.3(CD46):c.272_276dup (p.Ala93fs)

Gene: CD46 (CD46 molecule; plus strand). Cytogenetic location: 1q32.2.
Variant type: Duplication.
Coding change: c.272_276dup on transcript NM_172351.3 (MANE Select); coding-DNA positions 272 to 276, 5 bases duplicated (ATGAC; older notation c.272_276dupATGAC).
Protein change: p.Ala93fs; shifts the reading frame from alanine 93.
Molecular consequence: frameshift variant.
Genome position (GRCh38, 1-based): chr1:207,757,188-207,757,192, ATGAC duplicated. VCF-style (leftmost placement, unchanged base first): chr1-207757187-G-GATGAC. GRCh37 (hg19) VCF-style: chr1-207930532-G-GATGAC.
Other names: c.272_276dup, p.Ala93fs (NM_002389.4, NM_153826.4, NM_172350.3 and 8 more transcripts); short protein forms A93fs.
Identifiers: ClinVar variation 3722028 (VCV003722028.2).